The following is an entry in ClinVar:

ClinVar aggregate classification (germline): Uncertain significance. Review status: criteria provided, multiple submitters, no conflicts (2 of 4 stars). 2 submissions from 2 submitters: Uncertain significance (2). Last evaluated 2026-09-08.

Conditions:
DICER1-related tumor predisposition. Also called: DICER1-related pleuropulmonary blastoma cancer predisposition syndrome; DICER1 syndrome. Identifiers: Orphanet 284343, MedGen C3839822, MONDO:0100216.
Hereditary cancer-predisposing syndrome. Also called: Hereditary neoplastic syndrome; Neoplastic Syndromes, Hereditary; Tumor predisposition; Hereditary Cancer Syndrome. Identifiers: Orphanet 140162, MedGen C0027672, MeSH D009386, MONDO:0015356.

Submissions (2):

Ambry Genetics
Classification: Uncertain significance for Hereditary cancer-predisposing syndrome. Last evaluated: 2026-09-08. Review status: criteria provided, single submitter. Criteria: Ambry Variant Classification Scheme 2023. Collection method: clinical testing. Allele origin: germline.
Comment: The p.R1314W variant (also known as c.3940C>T), located in coding exon 20 of the DICER1 gene, results from a C to T substitution at nucleotide position 3940. The arginine at codon 1314 is replaced by tryptophan, an amino acid with dissimilar properties. This amino acid position is highly conserved in available vertebrate species. In addition, this alteration is predicted to be deleterious by in silico analysis. Based on the available evidence, the clinical significance of this variant remains unclear.

Labcorp Genetics (formerly Invitae), Labcorp
Classification: Uncertain significance for DICER1-related tumor predisposition. Last evaluated: 2025-09-16. Review status: criteria provided, single submitter. Criteria: Invitae Variant Classification Sherloc (09022015). Collection method: clinical testing. Allele origin: germline.
Comment: This sequence change replaces arginine, which is basic and polar, with tryptophan, which is neutral and slightly polar, at codon 1314 of the DICER1 protein (p.Arg1314Trp). This variant is not present in population databases (gnomAD no frequency). This variant has not been reported in the literature in individuals affected with DICER1-related conditions. ClinVar contains an entry for this variant (Variation ID: 2016382). Invitae Evidence Modeling of protein sequence and biophysical properties (such as structural, functional, and spatial information, amino acid conservation, physicochemical variation, residue mobility, and thermodynamic stability) has been performed for this missense variant. However, the output from this modeling did not meet the statistical confidence thresholds required to predict the impact of this variant on DICER1 protein function. In summary, the available evidence is currently insufficient to determine the role of this variant in disease. Therefore, it has been classified as a Variant of Uncertain Significance.

NM_177438.3(DICER1):c.3940C>T (p.Arg1314Trp)

Gene: DICER1 (dicer 1, ribonuclease III; minus strand). Cytogenetic location: 14q32.13.
Variant type: single nucleotide variant.
Coding change: c.3940C>T on transcript NM_177438.3 (MANE Select); coding-DNA position 3940, C replaced by T.
Protein change: p.Arg1314Trp; replaces arginine 1314 with tryptophan.
Molecular consequence: missense variant. On other transcripts: non-coding transcript variant (6).
Genome position (GRCh38, 1-based): chr14:95,103,456, G>A on the plus strand (C>T on the coding strand, the complement: DICER1 is on the minus strand). VCF-style: chr14-95103456-G-A. GRCh37 (hg19) VCF-style: chr14-95569793-G-A.
Other names: c.3940C>T, p.Arg1314Trp (NM_001195573.1, NM_001271282.3, NM_001291628.2 and 13 more transcripts); c.3658C>T, p.Arg1220Trp (NM_001395686.1); c.3535C>T, p.Arg1179Trp (NM_001395687.1, NM_001395688.1, NM_001395689.1 and 2 more transcripts); c.3373C>T, p.Arg1125Trp (NM_001395691.1); c.2257C>T, p.Arg753Trp (NM_001395697.1); short protein forms R1314W, R1125W, R1220W, R1179W, R753W.
Identifiers: ClinVar variation 2016382 (VCV002016382.5), dbSNP rs2139955991, ClinGen allele CA390873122.